The following is an entry in ClinVar:

NM_000038.6(APC):c.1744-739T>G

Gene: APC (APC regulator of WNT signaling pathway; plus strand). Cytogenetic location: 5q22.2.
Variant type: single nucleotide variant.
Coding change: c.1744-739T>G on transcript NM_000038.6 (MANE Select); 739 bases into the intron before coding-DNA position 1744, T replaced by G.
Molecular consequence: intron variant.
Genome position (GRCh38, 1-based): chr5:112,834,212, T>G. VCF-style: chr5-112834212-T-G. GRCh37 (hg19) VCF-style: chr5-112169909-T-G.
Other names: c.1744-739T>G (NM_001354895.2, NM_001127510.3); c.1774-739T>G (NM_001354897.2); c.1471-739T>G (NM_001354902.2); c.1690-739T>G (NM_001127511.3); c.1669-739T>G (NM_001354898.2); c.1366-739T>G (NM_001354904.2); c.895-739T>G (NM_001354906.2); c.1798-739T>G (NM_001354896.2); and 5 more.
Identifiers: ClinVar variation 82610 (VCV000082610.2), dbSNP rs76718657, ClinGen allele CA005961.

ClinVar aggregate classification (germline): other (0 of 4 stars; one submission).

Conditions:
Familial colorectal cancer. Identifiers: MedGen CN280943, MONDO:0023113. Disease mechanism: loss of function.

Submission:

Systems Biology Platform Zhejiang California International NanoSystems Institute
Classification: other for Familial colorectal cancer. Review status: no assertion criteria provided. Collection method: not provided. Allele origin: unknown.
ClinVar note: Converted during submission from cancer to other.